The following is an entry in ClinVar:

ClinVar aggregate classification (germline): Uncertain significance (1 of 4 stars; one submission).

Conditions:
Cardiovascular phenotype. Identifiers: MedGen CN230736.

Submission:

Molecular Diagnostic Laboratory for Inherited Cardiovascular Disease, Montreal Heart Institute
Classification: Uncertain significance for Cardiovascular phenotype. Last evaluated: 2026-03-27. Review status: criteria provided, single submitter. Criteria: ACMG Guidelines, 2015. Collection method: clinical testing. Allele origin: germline. Affected: yes.
Comment: PVS1_mod, PM2

NM_005477.3(HCN4):c.2143+1G>T

Gene: HCN4 (hyperpolarization activated cyclic nucleotide gated potassium channel 4; minus strand). Cytogenetic location: 15q24.1.
Variant type: single nucleotide variant.
Coding change: c.2143+1G>T on transcript NM_005477.3 (MANE Select); the canonical splice donor site of the intron after coding-DNA position 2143, G replaced by T.
Molecular consequence: splice donor variant.
Genome position (GRCh38, 1-based): chr15:73,324,088, C>A on the plus strand (G>T on the coding strand, the complement: HCN4 is on the minus strand). VCF-style: chr15-73324088-C-A. GRCh37 (hg19) VCF-style: chr15-73616429-C-A.
Identifiers: ClinVar variation 4820459 (VCV004820459.1).